The following is an entry in ClinVar:

NM_000260.4(MYO7A):c.1871C>G (p.Thr624Arg)

Gene: MYO7A (myosin VIIA; plus strand). Cytogenetic location: 11q13.5.
Variant type: single nucleotide variant.
Coding change: c.1871C>G on transcript NM_000260.4 (MANE Select); coding-DNA position 1871, C replaced by G.
Protein change: p.Thr624Arg; replaces threonine 624 with arginine.
Molecular consequence: missense variant.
Genome position (GRCh38, 1-based): chr11:77,172,821, C>G. VCF-style: chr11-77172821-C-G. GRCh37 (hg19) VCF-style: chr11-76883867-C-G.
Other names: c.1871C>G, p.Thr624Arg (NM_001127180.2); c.1838C>G, p.Thr613Arg (NM_001369365.1); short protein forms T613R, T624R.
Identifiers: ClinVar variation 3365590 (VCV003365590.1).
Genomic context (GRCh38, chr11:77,172,821, plus strand): 5'-GGAAGCGCTCGCCCACACTTAGCAGCCAGTTCAAGCGGTCACTGGAGCTGCTGATGCGCA[C>G]GCTGGGTGCCTGCCAGCCCTTCTTTGTGCGATGCATCAAGCCCAATGAGTTCAAGAAGCC-3'
Protein context (NP_000251.3, residues 614-634): FKRSLELLMR[Thr624Arg]LGACQPFFVR

ClinVar aggregate classification (germline): Uncertain significance (1 of 4 stars; one submission).

gnomAD v4.1: 3 of 1,553,058 alleles (0.00019%); highest among the groups gnomAD compares: African/African-American, 0.0041%; no homozygotes.

Submission:

GeneDx
Classification: Uncertain significance. Last evaluated: 2023-12-14. Review status: criteria provided, single submitter. Criteria: GeneDx Variant Classification Process June 2021. Collection method: clinical testing. Allele origin: germline. Affected: yes.
Comment: Not observed at significant frequency in large population cohorts (gnomAD); In silico analysis supports that this missense variant has a deleterious effect on protein structure/function; Has not been previously published as pathogenic or benign to our knowledge